The following is an entry in ClinVar:

ClinVar aggregate classification (germline): Pathogenic/Likely pathogenic. Review status: criteria provided, multiple submitters, no conflicts (2 of 4 stars). 2 submissions from 2 submitters: Pathogenic (1); Likely pathogenic (1). Last evaluated 2024-05-21.

Conditions:
Acute infantile liver failure due to synthesis defect of mtDNA-encoded proteins. Also called: LIVER FAILURE, INFANTILE, TRANSIENT; Liver failure acute infantile; TRMU Deficiency. Identifiers: Orphanet 217371, MedGen C3278664, MONDO:0013111, OMIM 613070.

Submissions (2):

Natera, Inc.
Classification: Likely pathogenic for Acute infantile liver failure due to synthesis defect of mtDNA-encoded proteins. Last evaluated: 2024-05-21. Review status: criteria provided, single submitter. Criteria: Natera Variant Classification Schema (03/2026). Collection method: clinical testing. Allele origin: germline.
Comment: The c.493C>T variant in TRMU is a nonsense variant predicted to introduce a stop codon at amino acid 165. This variant is expected to result in nonsense mediated decay, truncation, or a dysfunctional protein product. This variant is rare in the general population with a frequency below the threshold expected for the associated phenotype(s). Given the available evidence, this variant is classified as Likely Pathogenic.

Myriad Genetics, Inc.
Classification: Pathogenic for Acute infantile liver failure due to synthesis defect of mtDNA-encoded proteins. Last evaluated: 2024-05-14. Review status: criteria provided, single submitter. Criteria: Myriad Autosomal Dominant, Autosomal Recessive and X-Linked Classification Criteria (2023). Collection method: clinical testing. Allele origin: unknown.
Comment: NM_018006.4(TRMU):c.493C>T(Q165*) is expected to be pathogenic in the context of acute liver failure, TRMU-related. This variant is predicted to lead to an abnormal or absent protein product due to the creation of a premature termination codon in TRMU, a gene where loss-of-function variants are known to be pathogenic. Please note: this variant was assessed in the context of healthy population screening.

NM_018006.5(TRMU):c.493C>T (p.Gln165Ter)

Gene: TRMU (tRNA mitochondrial 2-thiouridylase; plus strand). Cytogenetic location: 22q13.31.
Variant type: single nucleotide variant.
Coding change: c.493C>T on transcript NM_018006.5 (MANE Select); coding-DNA position 493, C replaced by T.
Protein change: p.Gln165Ter; replaces glutamine 165 with a stop codon.
Molecular consequence: nonsense. On other transcripts: intron variant (2).
Genome position (GRCh38, 1-based): chr22:46,350,305, C>T. VCF-style: chr22-46350305-C-T. GRCh37 (hg19) VCF-style: chr22-46746202-C-T.
Other names: c.151C>T, p.Gln51Ter (NM_001282782.2); c.493C>T, p.Gln165Ter (NM_001282785.2); c.118-45C>T (NM_001282783.2, NM_001282784.2); short protein forms Q165*, Q51*.
Identifiers: ClinVar variation 4815994 (VCV004815994.2).
Genomic context (GRCh38, chr22:46,350,305, plus strand): 5'-CATTATTTTTATTCCTGCATCGTCTTTTGTTCTTTATTCTTGGCAGCGGTAAAACTCCTC[C>T]AGGCAGCTGACAGCTTTAAAGACCAGACCTTCTTTCTCAGCCAGGTTTCCCAGGATGCCC-3'